The following is an entry in ClinVar:

ClinVar aggregate classification (germline): Uncertain significance. Review status: criteria provided, multiple submitters, no conflicts (2 of 4 stars). 2 submissions from 2 submitters: Uncertain significance (2). Last evaluated 2026-03-14.

Conditions:
Ataxia-telangiectasia-like disorder (ATLD). Identifiers: MedGen C1858391, MONDO:0011457.
Hereditary cancer-predisposing syndrome. Also called: Tumor predisposition; Hereditary Cancer Syndrome; Hereditary neoplastic syndrome; Neoplastic Syndromes, Hereditary. Identifiers: Orphanet 140162, MedGen C0027672, MeSH D009386, MONDO:0015356.

gnomAD v4.1: 2 of 1,610,398 alleles (0.00012%); highest among the groups gnomAD compares: South Asian, 0.0022%; no homozygotes.

Submissions (2):

Ambry Genetics
Classification: Uncertain significance for Hereditary cancer-predisposing syndrome. Last evaluated: 2026-03-14. Review status: criteria provided, single submitter. Criteria: Ambry Variant Classification Scheme 2023. Collection method: clinical testing. Allele origin: germline.
Comment: The p.V519I variant (also known as c.1555G>A), located in coding exon 13 of the MRE11A gene, results from a G to A substitution at nucleotide position 1555. The valine at codon 519 is replaced by isoleucine, an amino acid with highly similar properties. This amino acid position is conserved. In addition, this alteration is predicted to be tolerated by in silico analysis. Based on the available evidence, the clinical significance of this variant remains unclear.

Labcorp Genetics (formerly Invitae), Labcorp
Classification: Uncertain significance for Ataxia-telangiectasia-like disorder. Last evaluated: 2021-04-23. Review status: criteria provided, single submitter. Criteria: Invitae Variant Classification Sherloc (09022015). Collection method: clinical testing. Allele origin: germline.
Comment: In summary, the available evidence is currently insufficient to determine the role of this variant in disease. Therefore, it has been classified as a Variant of Uncertain Significance. Algorithms developed to predict the effect of missense changes on protein structure and function (SIFT, PolyPhen-2, Align-GVGD) all suggest that this variant is likely to be tolerated, but these predictions have not been confirmed by published functional studies and their clinical significance is uncertain. This variant has not been reported in the literature in individuals with MRE11-related conditions. This variant is present in population databases (rs778116138, ExAC 0.006%). This sequence change replaces valine with isoleucine at codon 519 of the MRE11 protein (p.Val519Ile). The valine residue is moderately conserved and there is a small physicochemical difference between valine and isoleucine.

NM_005591.4(MRE11):c.1555G>A (p.Val519Ile)

Gene: MRE11 (MRE11 double strand break repair nuclease; minus strand). Cytogenetic location: 11q21.
Variant type: single nucleotide variant.
Coding change: c.1555G>A on transcript NM_005591.4 (MANE Select); coding-DNA position 1555, G replaced by A.
Protein change: p.Val519Ile; replaces valine 519 with isoleucine.
Molecular consequence: missense variant.
Genome position (GRCh38, 1-based): chr11:94,456,284, C>T on the plus strand (G>A on the coding strand, the complement: MRE11 is on the minus strand). VCF-style: chr11-94456284-C-T. GRCh37 (hg19) VCF-style: chr11-94189450-C-T.
Other names: c.1555G>A, p.Val519Ile (NM_001330347.2, NM_005590.4); c.1555G>A (NM_005591.3); short protein forms V519I.
Identifiers: ClinVar variation 1681574 (VCV001681574.9), dbSNP rs778116138, ClinGen allele CA6235044.
Genomic context (GRCh38, chr11:94,456,284, plus strand): 5'-CTAGTTTAAGAAAGTGATATATAAACACAAGAATTTGCAGCAGAATAATTACCTCACGGA[C>T]TTCATCATCTTCTTCATTAGTATTTTTTTGTCTGGTTTCTCTGAAACGACGTACCTAGAT-3'
Protein context (NP_005582.1, residues 509-529): QKNTNEEDDE[Val519Ile]REAMTRARAL